The following is an entry in ClinVar:

ClinVar aggregate classification (germline): Benign. Review status: reviewed by expert panel (3 of 4 stars). 4 submissions from 4 submitters: Benign (1). 3 of the submissions do not count toward it. Last evaluated 2024-04-16.

Conditions:
Glanzmann thrombasthenia. Also called: PLATELET GLYCOPROTEIN IIb-IIIa DEFICIENCY; THROMBASTHENIA OF GLANZMANN AND NAEGELI; Thrombasthenia; Glanzmann's thrombasthenia. Identifiers: Orphanet 849, MedGen C0040015, MONDO:0100326.

Allele frequency attached by ClinVar (database versions not stated): 1000 Genomes Project 0.00040; 1000 Genomes Project 30x 0.00062; ESP Exome Variant Server 0.00085.
gnomAD v4.1: 240 of 1,614,164 alleles (0.015%); highest among the groups gnomAD compares: African/African-American, 0.29%; no homozygotes.

Submissions (4):

ClinGen Platelet Disorders Variant Curation Expert Panel, ClinGen
Classification: Benign for Glanzmann thrombasthenia. Last evaluated: 2024-04-16. Review status: reviewed by expert panel. Criteria: ClinGen Platelet ACMG Specifications v2-1. Collection method: curation. Allele origin: germline. Inheritance: Autosomal recessive inheritance.
Comment: The NM_000419.5(ITGA2B):c.1600+16G>T variant is an intronic variant that is not predicted by SpliceAI to impact splicing (Delta scores 0.00). In addition, it occurs at a nucleotide that is not conserved as shown by phyloP score of 0.2397 (BP7). The highest population minor allele frequency in gnomAD v4.0.0 is 0.002865 (250/75040alleles) in the African/African-American population, which is higher than the ClinGen PD VCEP threshold (>0.0024), and therefore meets this criterion (BA1). In summary this variant is classified as Benign for autosomal recessive Glanzmann thrombasthenia, with ACMG criteria applied as specified by the PD VCEP: BA1, BP7

Labcorp Genetics (formerly Invitae), Labcorp
Classification: Benign for Glanzmann thrombasthenia. Last evaluated: 2025-12-06. Review status: criteria provided, single submitter. Criteria: Invitae Variant Classification Sherloc (09022015). Collection method: clinical testing. Allele origin: germline. Not counted in ClinVar's aggregate classification.

Women's Health and Genetics/Laboratory Corporation of America, LabCorp
Classification: Likely benign. Last evaluated: 2024-12-11. Review status: criteria provided, single submitter. Criteria: LabCorp Variant Classification Summary - May 2015. Collection method: clinical testing. Allele origin: germline. Not counted in ClinVar's aggregate classification.

Blueprint Genetics
Classification: Likely benign. Last evaluated: 2024-11-26. Review status: criteria provided, single submitter. Criteria: ACMG Guidelines, 2015. Collection method: clinical testing. Allele origin: germline. Not counted in ClinVar's aggregate classification.

NM_000419.5(ITGA2B):c.1600+16G>T

Gene: ITGA2B (integrin subunit alpha 2b; minus strand). Cytogenetic location: 17q21.31.
Variant type: single nucleotide variant.
Coding change: c.1600+16G>T on transcript NM_000419.5 (MANE Select); 16 bases into the intron after coding-DNA position 1600, G replaced by T.
Molecular consequence: intron variant.
Genome position (GRCh38, 1-based): chr17:44,380,230, C>A on the plus strand (G>T on the coding strand, the complement: ITGA2B is on the minus strand). VCF-style: chr17-44380230-C-A. GRCh37 (hg19) VCF-style: chr17-42457598-C-A.
Identifiers: ClinVar variation 1696131 (VCV001696131.9), dbSNP rs199614885, ClinGen allele CA8603030.